The following is an entry in ClinVar:

NM_003640.5(ELP1):c.1460+1G>A

Gene: ELP1 (elongator acetyltransferase complex subunit 1; minus strand). Cytogenetic location: 9q31.3.
Variant type: single nucleotide variant.
Coding change: c.1460+1G>A on transcript NM_003640.5 (MANE Select); the canonical splice donor site of the intron after coding-DNA position 1460, G replaced by A.
Molecular consequence: splice donor variant.
Genome position (GRCh38, 1-based): chr9:108,908,304, C>T on the plus strand (G>A on the coding strand, the complement: ELP1 is on the minus strand). VCF-style: chr9-108908304-C-T. GRCh37 (hg19) VCF-style: chr9-111670584-C-T.
Other names: c.1118+1G>A (NM_001318360.2); c.413+1G>A (NM_001330749.2).
Identifiers: ClinVar variation 1066107 (VCV001066107.8), dbSNP rs1564093439, ClinGen allele CA374428183.

ClinVar aggregate classification (germline): Likely pathogenic (1 of 4 stars; one submission).

Allele frequency attached by ClinVar (database versions not stated): gnomAD exomes below 0.00001.
gnomAD v4.1: 2 of 1,608,818 alleles (0.00012%); highest among the groups gnomAD compares: Non-Finnish European, 0.00017%; no homozygotes.

Submission:

Labcorp Genetics (formerly Invitae), Labcorp
Classification: Likely pathogenic. Last evaluated: 2020-04-28. Review status: criteria provided, single submitter. Criteria: Invitae Variant Classification Sherloc (09022015). Collection method: clinical testing. Allele origin: germline.
Comment: In summary, the currently available evidence indicates that the variant is pathogenic, but additional data are needed to prove that conclusively. Therefore, this variant has been classified as Likely Pathogenic. Donor and acceptor splice site variants typically lead to a loss of protein function (PMID: 16199547), and loss-of-function variants in ELP1 are known to be pathogenic (PMID: 18303054, 24173031). Algorithms developed to predict the effect of sequence changes on RNA splicing suggest that this variant may disrupt the consensus splice site, but this prediction has not been confirmed by published transcriptional studies. This variant has not been reported in the literature in individuals with ELP1-related conditions. This variant is not present in population databases (ExAC no frequency). This sequence change affects a donor splice site in intron 13 of the ELP1 gene. It is expected to disrupt RNA splicing and likely results in an absent or disrupted protein product.

Literature cited by the submitters: PubMed 16199547; PubMed 18303054; PubMed 24173031.